The following is an entry in ClinVar:

NM_002471.4(MYH6):c.5147A>G (p.Gln1716Arg)

Genes: MYH6 (myosin heavy chain 6; minus strand), LOC126861896 (BRD4-independent group 4 enhancer GRCh37_chr14:23854904-23856103; plus strand). Cytogenetic location: 14q11.2.
Variant type: single nucleotide variant.
Coding change: c.5147A>G on transcript NM_002471.4 (MANE Select); coding-DNA position 5147, A replaced by G.
Protein change: p.Gln1716Arg; replaces glutamine 1716 with arginine.
Molecular consequence: missense variant.
Genome position (GRCh38, 1-based): chr14:23,385,944, T>C on the plus strand (A>G on the coding strand, the complement: MYH6 is on the minus strand). VCF-style: chr14-23385944-T-C. GRCh37 (hg19) VCF-style: chr14-23855153-T-C.
Other names: short protein forms Q1716R.
Identifiers: ClinVar variation 4998532 (VCV004998532.1).

ClinVar aggregate classification (germline): Uncertain significance (1 of 4 stars; one submission).

Conditions:
MYH6-related disorder. Also called: MYH6-Related Disorders; MYH6-related condition.

gnomAD v4.1: 3 of 1,614,084 alleles (0.00019%); highest among the groups gnomAD compares: East Asian, 0.0067%; no homozygotes.

Submission:

PreventionGenetics, part of Exact Sciences
Classification: Uncertain significance for MYH6-related condition. Last evaluated: 2025-07-01. Review status: criteria provided, single submitter. Criteria: ACMG Guidelines, 2015. Collection method: clinical testing. Allele origin: germline.
Comment: The MYH6 c.5147A>G variant is predicted to result in the amino acid substitution p.Gln1716Arg. To our knowledge, this variant has not been reported in the literature. This variant is reported in 0.0054% of alleles in individuals of East Asian descent in gnomAD. At this time, the clinical significance of this variant is uncertain due to the absence of conclusive functional and genetic evidence.